The following is an entry in ClinVar:

NM_020693.4(DSCAML1):c.1880G>A (p.Arg627His)

Gene: DSCAML1 (DS cell adhesion molecule like 1; minus strand). Cytogenetic location: 11q23.3.
Variant type: single nucleotide variant.
Coding change: c.1880G>A on transcript NM_020693.4 (MANE Select); coding-DNA position 1880, G replaced by A.
Protein change: p.Arg627His; replaces arginine 627 with histidine.
Molecular consequence: missense variant.
Genome position (GRCh38, 1-based): chr11:117,505,636, C>T on the plus strand (G>A on the coding strand, the complement: DSCAML1 is on the minus strand). VCF-style: chr11-117505636-C-T. GRCh37 (hg19) VCF-style: chr11-117376351-C-T.
Other names: c.1880G>A, p.Arg627His (NM_001367904.1); short protein forms R627H.
Identifiers: ClinVar variation 2188860 (VCV002188860.4), dbSNP rs1375820988, ClinGen allele CA382755832.

ClinVar aggregate classification (germline): Uncertain significance (1 of 4 stars; one submission).

Allele frequency attached by ClinVar (database versions not stated): gnomAD 0.00001; TOPMed 0.00001; gnomAD exomes 0.00002.
gnomAD v4.1: 36 of 1,613,882 alleles (0.0022%); highest among the groups gnomAD compares: Admixed American, 0.005%; no homozygotes.

Submission:

Labcorp Genetics (formerly Invitae), Labcorp
Classification: Uncertain significance. Last evaluated: 2024-09-23. Review status: criteria provided, single submitter. Criteria: Invitae Variant Classification Sherloc (09022015). Collection method: clinical testing. Allele origin: germline.
Comment: This sequence change replaces arginine, which is basic and polar, with histidine, which is basic and polar, at codon 687 of the DSCAML1 protein (p.Arg687His). This variant is present in population databases (no rsID available, gnomAD 0.009%). This variant has not been reported in the literature in individuals affected with DSCAML1-related conditions. ClinVar contains an entry for this variant (Variation ID: 2188860). An algorithm developed to predict the effect of missense changes on protein structure and function (PolyPhen-2) suggests that this variant is likely to be tolerated. In summary, the available evidence is currently insufficient to determine the role of this variant in disease. Therefore, it has been classified as a Variant of Uncertain Significance.